The following is an entry in ClinVar:

ClinVar aggregate classification (germline): Uncertain significance. Review status: criteria provided, multiple submitters, no conflicts (2 of 4 stars). 2 submissions from 2 submitters: Uncertain significance (2). Last evaluated 2026-07-08.

Conditions:
PLXNA2-related disorder. Also called: PLXNA2-related condition.

Allele frequency attached by ClinVar (database versions not stated): ESP Exome Variant Server 0.00008; gnomAD exomes 0.00013 and 0.00026; ExAC 0.00024; gnomAD 0.00029; TOPMed 0.00032; 1000 Genomes Project 0.00040; 1000 Genomes Project 30x 0.00062.
gnomAD v4.1: 243 of 1,613,972 alleles (0.015%); highest among the groups gnomAD compares: Middle Eastern, 0.099%; no homozygotes.

Submissions (2):

PreventionGenetics, part of Exact Sciences
Classification: Uncertain significance for PLXNA2-related condition. Last evaluated: 2026-07-08. Review status: criteria provided, single submitter. Criteria: ACMG Guidelines, 2015. Collection method: clinical testing. Allele origin: germline.
Comment: The PLXNA2 c.853A>G variant is predicted to result in the amino acid substitution p.Lys285Glu. To our knowledge, this variant has not been reported in the literature. This variant is reported in 0.073% of alleles in individuals of Latino descent in gnomAD, which may be too common to be an undocumented primary cause of disease. Although we suspect that this variant may be benign, at this time, the clinical significance of this variant is uncertain due to the absence of conclusive functional and genetic evidence.

Labcorp Genetics (formerly Invitae), Labcorp
Classification: Uncertain significance. Last evaluated: 2024-12-16. Review status: criteria provided, single submitter. Criteria: Invitae Variant Classification Sherloc (09022015). Collection method: clinical testing. Allele origin: germline.
Comment: This sequence change replaces lysine, which is basic and polar, with glutamic acid, which is acidic and polar, at codon 285 of the PLXNA2 protein (p.Lys285Glu). This variant is present in population databases (rs144365538, gnomAD 0.08%), and has an allele count higher than expected for a pathogenic variant. This variant has not been reported in the literature in individuals affected with PLXNA2-related conditions. ClinVar contains an entry for this variant (Variation ID: 1430513). Invitae Evidence Modeling of protein sequence and biophysical properties (such as structural, functional, and spatial information, amino acid conservation, physicochemical variation, residue mobility, and thermodynamic stability) indicates that this missense variant is not expected to disrupt PLXNA2 protein function with a negative predictive value of 80%. In summary, the available evidence is currently insufficient to determine the role of this variant in disease. Therefore, it has been classified as a Variant of Uncertain Significance.

NM_025179.4(PLXNA2):c.853A>G (p.Lys285Glu)

Gene: PLXNA2 (plexin A2; minus strand). Cytogenetic location: 1q32.2.
Variant type: single nucleotide variant.
Coding change: c.853A>G on transcript NM_025179.4 (MANE Select); coding-DNA position 853, A replaced by G.
Protein change: p.Lys285Glu; replaces lysine 285 with glutamic acid.
Molecular consequence: missense variant.
Genome position (GRCh38, 1-based): chr1:208,217,070, T>C on the plus strand (A>G on the coding strand, the complement: PLXNA2 is on the minus strand). VCF-style: chr1-208217070-T-C. GRCh37 (hg19) VCF-style: chr1-208390415-T-C.
Other names: c.853A>G (NM_025179.3); short protein forms K285E.
Identifiers: ClinVar variation 1430513 (VCV001430513.11), dbSNP rs144365538, ClinGen allele CA1374015.